The following is an entry in ClinVar:

NM_000077.5(CDKN2A):c.261G>A (p.Arg87=)

Gene: CDKN2A (cyclin dependent kinase inhibitor 2A; minus strand). Cytogenetic location: 9p21.3.
Variant type: single nucleotide variant.
Coding change: c.261G>A on transcript NM_000077.5; coding-DNA position 261, G replaced by A.
Protein change: p.Arg87=; no amino-acid change (arginine 87 retained).
Molecular consequence: synonymous variant (on NM_000077.6). On other transcripts: missense variant (1), 3 prime UTR variant (1).
Genome position (GRCh38, 1-based): chr9:21,971,098, C>T on the plus strand (G>A on the coding strand, the complement: CDKN2A is on the minus strand). VCF-style: chr9-21971098-C-T. GRCh37 (hg19) VCF-style: chr9-21971097-C-T.
Other names: c.261G>A, p.Arg87= (NM_000077.6, NM_001195132.2); c.108G>A, p.Arg36= (NM_001363763.2); c.304G>A, p.Gly102Arg (NM_058195.4); c.*184G>A (NM_058197.5); short protein forms G102R.
Identifiers: ClinVar variation 187515 (VCV000187515.28), dbSNP rs546300971, ClinGen allele CA197847.
Genomic context (GRCh38, chr9:21,971,098, plus strand): 5'-GCGCACGTCCAGCCGCGCCCCGGCCCGGTGCAGCACCACCAGCGTGTCCAGGAAGCCCTC[C>T]CGGGCAGCGTCGTGCACGGGTCGGGTGAGAGTGGCGGGGTCGGCGCAGTTGGGCTCCGCG-3'
Protein context (NP_000068.1, residues 77-97): TLTRPVHDAA[Arg87=]EGFLDTLVVL

ClinVar aggregate classification (germline): Conflicting classifications of pathogenicity. Review status: criteria provided, conflicting classifications (1 of 4 stars). 9 submissions from 9 submitters: Uncertain significance (4); Likely benign (5). Last evaluated 2026-07-28.

Conditions:
CDKN2A-related disorder. Also called: CDKN2A-related condition.
Familial melanoma. Also called: Hereditary melanoma; Hereditary cutaneous melanoma. Identifiers: Orphanet 618, MedGen C1512419, MONDO:0018961.
Hereditary cancer-predisposing syndrome. Also called: Neoplastic Syndromes, Hereditary; Tumor predisposition; Hereditary neoplastic syndrome; Hereditary Cancer Syndrome. Identifiers: Orphanet 140162, MedGen C0027672, MeSH D009386, MONDO:0015356.

Allele frequency attached by ClinVar (database versions not stated): ExAC 0.00001; gnomAD exomes 0.00001; gnomAD 0.00010; 1000 Genomes Project 30x 0.00016; 1000 Genomes Project 0.00020; TOPMed 0.00021.
gnomAD v4.1: 27 of 1,604,930 alleles (0.0017%); highest among the groups gnomAD compares: Admixed American, 0.03%; no homozygotes.

Submissions (9):

PreventionGenetics, part of Exact Sciences
Classification: Likely benign for CDKN2A-related condition. Last evaluated: 2026-07-28. Review status: criteria provided, single submitter. Criteria: ACMG Guidelines, 2015. Collection method: clinical testing. Allele origin: germline.
Comment: This variant is classified as likely benign based on ACMG/AMP sequence variant interpretation guidelines (Richards et al. 2015 PMID: 25741868, with internal and published modifications).

Labcorp Genetics (formerly Invitae), Labcorp
Classification: Likely benign for Familial melanoma. Last evaluated: 2025-12-09. Review status: criteria provided, single submitter. Criteria: Invitae Variant Classification Sherloc (09022015). Collection method: clinical testing. Allele origin: germline.

Quest Diagnostics Nichols Institute San Juan Capistrano
Classification: Uncertain significance. Last evaluated: 2025-06-06. Review status: criteria provided, single submitter. Criteria: Quest Diagnostics criteria. Collection method: clinical testing. Allele origin: unknown.
Comment: The CDKN2A c.261G>A (p.Arg87=) (p16) synonymous variant, also known as the CDKN2A c.304G>A (p.Gly102Arg) (p14) missense variant, have not been reported in individuals with CDKN2A-related conditions in the published literature. The frequency of these variant in the general population, 0.0000086 (2/232684 chromosomes (Genome Aggregation Database)), is uninformative in the assessment of its pathogenicity. Analysis of the p16 isoform variant using software algorithms for the prediction of the effect of nucleotide changes on splicing yielded predictions that this variant does not affect CDKN2A mRNA splicing (Alamut Visual). Analysis of the p14 isoform variant using bioinformatics tools (i.e., MutationTaster and PolyPhen-2) for the prediction of the effect of amino acid changes on protein structure and function yielded conflicting predictions that this variant is deleterious or benign. Based on the available information, we are unable to determine the clinical significance of the c.261G>A (p.Arg87=) (p16) and the c.304G>A (p.Gly102Arg) (p14) variants.

Women's Health and Genetics/Laboratory Corporation of America, LabCorp
Classification: Uncertain significance. Last evaluated: 2025-02-20. Review status: criteria provided, single submitter. Criteria: LabCorp Variant Classification Summary - May 2015. Collection method: clinical testing. Allele origin: germline.
Comment: Variant summary: CDKN2A c.261G>A (p.Arg87Arg) alters a non-conserved nucleotide resulting in a synonymous change in p16INK4a gene. Alternatively, the variant results in a missense change (c.304G>A; p.Gly102Arg) in p14ARF gene (NM_058195). Consensus agreement among computation tools predict no significant impact on normal splicing. However, these predictions have yet to be confirmed by functional studies. The variant allele was found at a frequency of 8.6e-06 in 232684 control chromosomes (gnomAD). The available data on variant occurrences in the general population are insufficient to allow any conclusion about variant significance. To our knowledge, no occurrence of c.261G>A in individuals affected with cutaneous malignant melanoma and no experimental evidence demonstrating its impact on protein function have been reported. ClinVar contains an entry for this variant (Variation ID: 187515). Based on the evidence outlined above, the variant was classified as uncertain significance.

GeneDx
Classification: Uncertain significance. Last evaluated: 2024-11-20. Review status: criteria provided, single submitter. Criteria: GeneDx Variant Classification Process June 2021. Collection method: clinical testing. Allele origin: germline. Affected: yes.
Comment: Has not been previously published as pathogenic or benign to our knowledge; In silico analysis supports that this missense variant has a deleterious effect on protein structure/function; Not observed at significant frequency in large population cohorts (gnomAD); Reported using an alternate transcript of the gene; This variant is associated with the following publications: (PMID: 27045317, 27311873, 15185075)

Ambry Genetics
Classification: Likely benign for Hereditary cancer-predisposing syndrome. Last evaluated: 2023-11-14. Review status: criteria provided, single submitter. Criteria: Ambry Variant Classification Scheme 2023. Collection method: clinical testing. Allele origin: germline.

Blueprint Genetics
Classification: Uncertain significance. Last evaluated: 2022-06-05. Review status: criteria provided, single submitter. Criteria: ACMG Guidelines, 2015. Collection method: clinical testing. Allele origin: germline.

Sema4
Classification: Likely benign for Hereditary cancer-predisposing syndrome. Last evaluated: 2020-12-09. Review status: criteria provided, single submitter. Criteria: Sema4 Curation Guidelines. Collection method: curation. Allele origin: germline.

Color Diagnostics, LLC DBA Color Health
Classification: Likely benign for Hereditary cancer-predisposing syndrome. Last evaluated: 2020-03-12. Review status: criteria provided, single submitter. Criteria: ACMG Guidelines, 2015. Collection method: clinical testing. Allele origin: germline.

Literature cited by the submitters: PubMed 27756164 (cited by Women's Health and Genetics/Laboratory Corporation of America, LabCorp); PubMed 27960642 (cited by Women's Health and Genetics/Laboratory Corporation of America, LabCorp); PubMed 28765326 (cited by Women's Health and Genetics/Laboratory Corporation of America, LabCorp); PubMed 9166859 (cited by Women's Health and Genetics/Laboratory Corporation of America, LabCorp); PubMed 16818274 (cited by Women's Health and Genetics/Laboratory Corporation of America, LabCorp); PubMed 18519632 (cited by Women's Health and Genetics/Laboratory Corporation of America, LabCorp); PubMed 7718873 (cited by Women's Health and Genetics/Laboratory Corporation of America, LabCorp).